The following is an entry in ClinVar:

NM_001009944.3(PKD1):c.2099T>A (p.Val700Asp)

Gene: PKD1 (polycystin 1, transient receptor potential channel interacting; minus strand). Cytogenetic location: 16p13.3.
Variant type: single nucleotide variant.
Coding change: c.2099T>A on transcript NM_001009944.3 (MANE Select); coding-DNA position 2099, T replaced by A.
Protein change: p.Val700Asp; replaces valine 700 with aspartic acid.
Molecular consequence: missense variant.
Genome position (GRCh38, 1-based): chr16:2,114,924, A>T on the plus strand (T>A on the coding strand, the complement: PKD1 is on the minus strand). VCF-style: chr16-2114924-A-T. GRCh37 (hg19) VCF-style: chr16-2164925-A-T.
Other names: c.2099T>A, p.Val700Asp (NM_000296.4); short protein forms V700D.
Identifiers: ClinVar variation 3579704 (VCV003579704.2).

ClinVar aggregate classification (germline): Uncertain significance. Review status: criteria provided, multiple submitters, no conflicts (2 of 4 stars). 2 submissions from 2 submitters: Uncertain significance (2). Last evaluated 2025-11-17.

Conditions:
Polycystic kidney disease, adult type (PKD1). Also called: Polycystic Kidney Disease 1, Autosomal Dominant; Polycystic kidney disease 1; Polycystic kidney disease 1, severe; POLYCYSTIC KIDNEY DISEASE 1 WITH OR WITHOUT POLYCYSTIC LIVER DISEASE; Polycystic Kidney, Autosomal Dominant; POLYCYSTIC KIDNEY DISEASE, ADULT, TYPE I. Identifiers: MedGen C3149841, MONDO:0008263, OMIM 173900.

Submissions (2):

Laboratorio de Genetica e Diagnostico Molecular, Hospital Israelita Albert Einstein
Classification: Uncertain significance for Polycystic kidney disease, adult type. Last evaluated: 2025-11-17. Review status: criteria provided, single submitter. Criteria: ACMG Guidelines, 2015. Collection method: clinical testing. Allele origin: germline. Affected: yes.
Comment: ACMG classification criteria: PM2 supporting, BP4 supporting

Fulgent Genetics
Classification: Uncertain significance for Polycystic kidney disease, adult type. Last evaluated: 2024-06-17. Review status: criteria provided, single submitter. Criteria: ACMG Guidelines, 2015. Collection method: clinical testing. Allele origin: germline.